The following is an entry in ClinVar:

NM_014251.3(SLC25A13):c.483G>A (p.Glu161=)

Gene: SLC25A13 (solute carrier family 25 member 13; minus strand). Cytogenetic location: 7q21.3.
Variant type: single nucleotide variant.
Coding change: c.483G>A on transcript NM_014251.3 (MANE Select); coding-DNA position 483, G replaced by A.
Protein change: p.Glu161=; no amino-acid change (glutamic acid 161 retained).
Molecular consequence: synonymous variant. On other transcripts: non-coding transcript variant (1).
Genome position (GRCh38, 1-based): chr7:96,193,169, C>T on the plus strand (G>A on the coding strand, the complement: SLC25A13 is on the minus strand). VCF-style: chr7-96193169-C-T. GRCh37 (hg19) VCF-style: chr7-95822481-C-T.
Other names: c.483G>A, p.Glu161= (NM_001160210.2); c.483G>A (NM_014251.2).
Identifiers: ClinVar variation 1130585 (VCV001130585.11), dbSNP rs762752651, ClinGen allele CA4353247.

ClinVar aggregate classification (germline): Likely benign. Review status: criteria provided, single submitter (1 of 4 stars). 2 submissions from 2 submitters: Likely benign (1). 1 of the submissions does not count toward it. Last evaluated 2025-03-26.

Conditions:
SLC25A13-related disorder. Also called: SLC25A13-related condition.
Citrin deficiency. Identifiers: Orphanet 247582, MedGen C1997910, MONDO:0016602.

Allele frequency attached by ClinVar (database versions not stated): gnomAD exomes 0.00004 and 0.00011; ExAC 0.00008; gnomAD 0.00009.
gnomAD v4.1: 75 of 1,614,006 alleles (0.0046%); highest among the groups gnomAD compares: Middle Eastern, 0.016%; no homozygotes.

Submissions (2):

Labcorp Genetics (formerly Invitae), Labcorp
Classification: Likely benign for Citrin deficiency. Last evaluated: 2025-03-26. Review status: criteria provided, single submitter. Criteria: Invitae Variant Classification Sherloc (09022015). Collection method: clinical testing. Allele origin: germline.

PreventionGenetics, part of Exact Sciences
Classification: Likely benign for SLC25A13-related condition. Last evaluated: 2021-11-03. Review status: no assertion criteria provided. Collection method: clinical testing. Allele origin: germline. Not counted in ClinVar's aggregate classification.
Comment: This variant is classified as likely benign based on ACMG/AMP sequence variant interpretation guidelines (Richards et al. 2015 PMID: 25741868, with internal and published modifications).